The following is an entry in ClinVar:

ClinVar aggregate classification (germline): Uncertain significance (1 of 4 stars; one submission).

Submission:

Labcorp Genetics (formerly Invitae), Labcorp
Classification: Uncertain significance. Last evaluated: 2021-03-27. Review status: criteria provided, single submitter. Criteria: Invitae Variant Classification Sherloc (09022015). Collection method: clinical testing. Allele origin: germline.
Comment: In summary, the available evidence is currently insufficient to determine the role of this variant in disease. Therefore, it has been classified as a Variant of Uncertain Significance. Algorithms developed to predict the effect of missense changes on protein structure and function are either unavailable or do not agree on the potential impact of this missense change (SIFT: "Deleterious"; PolyPhen-2: "Benign"; Align-GVGD: "Class C0"). This variant has not been reported in the literature in individuals with PRPF6-related conditions. This variant is not present in population databases (ExAC no frequency). This sequence change replaces alanine with threonine at codon 188 of the PRPF6 protein (p.Ala188Thr). The alanine residue is moderately conserved and there is a small physicochemical difference between alanine and threonine.

NM_012469.4(PRPF6):c.562G>A (p.Ala188Thr)

Gene: PRPF6 (pre-mRNA processing factor 6; plus strand). Cytogenetic location: 20q13.33.
Variant type: single nucleotide variant.
Coding change: c.562G>A on transcript NM_012469.4 (MANE Select); coding-DNA position 562, G replaced by A.
Protein change: p.Ala188Thr; replaces alanine 188 with threonine.
Molecular consequence: missense variant.
Genome position (GRCh38, 1-based): chr20:63,995,039, G>A. VCF-style: chr20-63995039-G-A. GRCh37 (hg19) VCF-style: chr20-62626392-G-A.
Other names: short protein forms A188T.
Identifiers: ClinVar variation 1417378 (VCV001417378.8), dbSNP rs2123005964, ClinGen allele CA409715723.